The following is an entry in ClinVar:

NM_003742.4(ABCB11):c.779G>A (p.Gly260Asp)

Gene: ABCB11 (ATP binding cassette subfamily B member 11; minus strand). Cytogenetic location: 2q31.1.
Variant type: single nucleotide variant.
Coding change: c.779G>A on transcript NM_003742.4 (MANE Select); coding-DNA position 779, G replaced by A.
Protein change: p.Gly260Asp; replaces glycine 260 with aspartic acid.
Molecular consequence: missense variant.
Genome position (GRCh38, 1-based): chr2:168,993,715, C>T on the plus strand (G>A on the coding strand, the complement: ABCB11 is on the minus strand). VCF-style: chr2-168993715-C-T. GRCh37 (hg19) VCF-style: chr2-169850225-C-T.
Other names: short protein forms G260D.
Identifiers: ClinVar variation 2679946 (VCV002679946.4), dbSNP rs2545450042, ClinGen allele CA349127660.
Genomic context (GRCh38, chr2:168,993,715, plus strand): 5'-GGCTGTTTATGAAGGCAAATGTCTTCCCATGGAGAGATGCAAAAAGACATTCTTACCAGA[C>T]CAATGGTGGCTGCTCCAATCCCAATGAGAGGGCTGACAGAAATAATAACCAAGGTCAGTT-3'
Protein context (NP_003733.2, residues 250-270): PLIGIGAATI[Gly260Asp]LSVSKFTDYE

ClinVar aggregate classification (germline): Pathogenic/Likely pathogenic. Review status: criteria provided, multiple submitters, no conflicts (2 of 4 stars). 4 submissions from 4 submitters: Pathogenic (1); Likely pathogenic (3). Last evaluated 2026-04-14.

Conditions:
Progressive familial intrahepatic cholestasis type 2. Identifiers: Orphanet 79304, MedGen C3489789, MONDO:0011156, OMIM 601847.
Benign recurrent intrahepatic cholestasis type 2 (BRIC2). Also called: Recurrent familial intrahepatic cholestasis 2. Identifiers: Orphanet 65682, Orphanet 99961, MedGen C2608083, MONDO:0011559, OMIM 605479.
Progressive familial intrahepatic cholestasis type 1. Also called: BYLER DISEASE; Severe ATP8B1 Deficiency (Progressive Familial Intrahepatic Cholestasis Type 1 [PFIC1]); Byler's disease. Identifiers: Orphanet 79306, MedGen C4551898, MONDO:0008892, OMIM 211600.
Familial intrahepatic cholestasis. Identifiers: Orphanet 284385, MedGen CN296401, MONDO:0017290.

Submissions (4):

Genomenon, Inc
Classification: Likely pathogenic for Familial intrahepatic cholestasis. Last evaluated: 2026-04-14. Review status: criteria provided, single submitter. Criteria: Genomenon Sequence Variant Interpretation Standards - Updated. Collection method: curation. Allele origin: germline. Affected: yes.
Comment: ABCB11 p.Gly260Asp (c.779G>A) is a missense variant that changes the amino acid at residue 260 from Glycine to Aspartic acid. This variant has been observed in at least one proband with an ABCB11-related disorder (PMID:39960943;37471416;37361697;36995996;34828443;28733223). It has been observed in trans with a pathogenic or likely pathogenic variant (PMID:39960943;37471416). It is absent or not present at a significant frequency in gnomAD. In silico models predict that this variant is possibly or probably damaging. In conclusion, we classify ABCB11 p.Gly260Asp (c.779G>A) as a likely pathogenic variant.

Women's Health and Genetics/Laboratory Corporation of America, LabCorp
Classification: Likely pathogenic for Progressive familial intrahepatic cholestasis type 1. Last evaluated: 2025-11-17. Review status: criteria provided, single submitter. Criteria: LabCorp Variant Classification Summary - May 2015. Collection method: clinical testing. Allele origin: germline.
Comment: Variant summary: ABCB11 c.779G>A (p.Gly260Asp) results in a non-conservative amino acid change in the encoded protein sequence. Algorithms developed to predict the effect of missense changes on protein structure and function all suggest that this variant is likely to be disruptive. The variant was absent in 241130 control chromosomes. c.779G>A has been observed in compound heterozygous genotype in individuals affected with Progressive familial intrahepatic cholestasis type 1 (Drge_2017, Jeyaraj_2021, Neroldova_2023, Pfister_2023, Dong_2025). These data indicate that the variant is likely to be associated with disease. To our knowledge, no experimental evidence demonstrating an impact on protein function has been reported. The following publications have been ascertained in the context of this evaluation (PMID: 39960943, 28733223, 34828443, 37471416, 36995996). ClinVar contains an entry for this variant (Variation ID: 2679946). Based on the evidence outlined above, the variant was classified as likely pathogenic.

Natera, Inc.
Classification: Likely pathogenic for Progressive familial intrahepatic cholestasis type 2. Last evaluated: 2025-09-25. Review status: criteria provided, single submitter. Criteria: Natera Variant Classification Schema (03/2026). Collection method: clinical testing. Allele origin: germline.
Comment: The c.779G>A variant in ABCB11 is a missense variant predicted to cause substitution of glycine to aspartic acid at amino acid 260. This variant is rare in the general population with a frequency below the threshold expected for the associated phenotype(s). This variant has been observed in one or more individuals affected with the associated recessive disease, as either homozygous or compound heterozygous with a second variant (PMID: 39960943, 37471416, 32087350). Computational prediction algorithms indicate this variant is likely to affect gene or protein function. Given the available evidence, this variant is classified as Likely Pathogenic.

Baylor Genetics
Classification: Pathogenic for Benign recurrent intrahepatic cholestasis type 2. Last evaluated: 2023-09-03. Review status: criteria provided, single submitter. Criteria: ACMG Guidelines, 2015. Collection method: clinical testing. Allele origin: unknown.

Literature cited by the submitters: PubMed 39960943 (cited by 3 submitters); PubMed 37471416 (cited by 3 submitters); PubMed 37361697 (cited by Genomenon, Inc); PubMed 36995996 (cited by Genomenon, Inc and Women's Health and Genetics/Laboratory Corporation of America, LabCorp); PubMed 34828443 (cited by Genomenon, Inc and Women's Health and Genetics/Laboratory Corporation of America, LabCorp); PubMed 28733223 (cited by Genomenon, Inc and Women's Health and Genetics/Laboratory Corporation of America, LabCorp); PubMed 32087350 (cited by Natera, Inc.).